The following is an entry in ClinVar:

ClinVar aggregate classification (germline): Uncertain significance. Review status: criteria provided, multiple submitters, no conflicts (2 of 4 stars). 2 submissions from 2 submitters: Uncertain significance (2). Last evaluated 2026-08-10.

Conditions:
Neurofibromatosis, type 1 (NF1). Also called: VON RECKLINGHAUSEN DISEASE; Neurofibromatosis, type I; Peripheral type neurofibromatosis; NEUROFIBROMATOSIS, TYPE I, SOMATIC. Identifiers: Orphanet 636, MedGen C0027831, MONDO:0018975, OMIM 162200. Disease mechanism: loss of function.
Hereditary cancer-predisposing syndrome. Also called: Neoplastic Syndromes, Hereditary; Hereditary Cancer Syndrome; Hereditary neoplastic syndrome; Tumor predisposition. Identifiers: Orphanet 140162, MedGen C0027672, MeSH D009386, MONDO:0015356.
Cardiovascular phenotype. Identifiers: MedGen CN230736.

Submissions (2):

Ambry Genetics
Classification: Uncertain significance for Cardiovascular phenotype; Hereditary cancer-predisposing syndrome. Last evaluated: 2026-08-10. Review status: criteria provided, single submitter. Criteria: Ambry Variant Classification Scheme 2023. Collection method: clinical testing. Allele origin: germline.
Comment: The p.R1416K variant (also known as c.4247G>A), located in coding exon 31 of the NF1 gene, results from a G to A substitution at nucleotide position 4247. The arginine at codon 1416 is replaced by lysine, an amino acid with highly similar properties. This amino acid position is conserved. In addition, this alteration is predicted to be deleterious by in silico analysis. Based on the available evidence, the clinical significance of this variant remains unclear.

Labcorp Genetics (formerly Invitae), Labcorp
Classification: Uncertain significance for Neurofibromatosis, type 1. Last evaluated: 2024-08-07. Review status: criteria provided, single submitter. Criteria: Invitae Variant Classification Sherloc (09022015). Collection method: clinical testing. Allele origin: germline.
Comment: This sequence change replaces arginine, which is basic and polar, with lysine, which is basic and polar, at codon 1416 of the NF1 protein (p.Arg1416Lys). This variant is not present in population databases (gnomAD no frequency). This variant has not been reported in the literature in individuals affected with NF1-related conditions. ClinVar contains an entry for this variant (Variation ID: 575825). Advanced modeling of protein sequence and biophysical properties (such as structural, functional, and spatial information, amino acid conservation, physicochemical variation, residue mobility, and thermodynamic stability) performed at Invitae indicates that this missense variant is expected to disrupt NF1 protein function with a positive predictive value of 95%. In summary, the available evidence is currently insufficient to determine the role of this variant in disease. Therefore, it has been classified as a Variant of Uncertain Significance.

NM_001042492.3(NF1):c.4310G>A (p.Arg1437Lys)

Gene: NF1 (neurofibromin 1; plus strand). Cytogenetic location: 17q11.2.
Variant type: single nucleotide variant.
Coding change: c.4310G>A on transcript NM_001042492.3 (MANE Select); coding-DNA position 4310, G replaced by A.
Protein change: p.Arg1437Lys; replaces arginine 1437 with lysine.
Molecular consequence: missense variant.
Genome position (GRCh38, 1-based): chr17:31,258,480, G>A. VCF-style: chr17-31258480-G-A. GRCh37 (hg19) VCF-style: chr17-29585498-G-A.
Other names: c.4247G>A, p.Arg1416Lys (NM_000267.4); short protein forms R1416K, R1437K.
Identifiers: ClinVar variation 575825 (VCV000575825.7), dbSNP rs1567862061, ClinGen allele CA398998100.